The following is an entry in ClinVar:

NM_001267550.2(TTN):c.91343_91344insA (p.Arg30448_Asp30449insTer)

Genes: TTN-AS1 (TTN antisense RNA 1; plus strand), TTN (titin; minus strand). Cytogenetic location: 2q31.2.
Variant type: Insertion.
Coding change: c.91343_91344insA on transcript NM_001267550.2 (MANE Select); coding-DNA positions 91343 to 91344, A inserted.
Protein change: p.Arg30448_Asp30449insTer.
Molecular consequence: frameshift variant.
Genome position: GRCh38 VCF-style: chr2-178551187-A-AT. GRCh37 (hg19) VCF-style: chr2-179415914-A-AT.
Other names: c.86420_86421insA, p.Arg28807_Asp28808insTer (NM_001256850.1); c.64148_64149insA, p.Arg21383_Asp21384insTer (NM_003319.4); c.83639_83640insA, p.Arg27880_Asp27881insTer (NM_133378.4); c.64523_64524insA, p.Arg21508_Asp21509insTer (NM_133432.3); c.64724_64725insA, p.Arg21575_Asp21576insTer (NM_133437.4).
Identifiers: ClinVar variation 1488436 (VCV001488436.6), dbSNP rs2154150232, ClinGen allele CA2573133732.

ClinVar aggregate classification (germline): Likely pathogenic (1 of 4 stars; one submission).

Conditions:
Dilated cardiomyopathy 1G (CMD1G). Identifiers: Orphanet 154, MedGen C1858763, MONDO:0011400, OMIM 604145.
Autosomal recessive limb-girdle muscular dystrophy type 2J (LGMDR10). Also called: Limb-girdle muscular dystrophy, type 2J; MUSCULAR DYSTROPHY, LIMB-GIRDLE, AUTOSOMAL RECESSIVE 10. Identifiers: Orphanet 140922, MedGen C1837342, MONDO:0012127, OMIM 608807.

Submission:

Labcorp Genetics (formerly Invitae), Labcorp
Classification: Likely pathogenic for Dilated cardiomyopathy 1G; Autosomal recessive limb-girdle muscular dystrophy type 2J. Last evaluated: 2022-06-20. Review status: criteria provided, single submitter. Criteria: Invitae Variant Classification Sherloc (09022015). Collection method: clinical testing. Allele origin: germline.
Comment: This sequence change creates a premature translational stop signal (p.Asp30449*) in the TTN gene. While this is not anticipated to result in nonsense mediated decay, it is expected to create a truncated TTN protein. In summary, the currently available evidence indicates that the variant is pathogenic, but additional data are needed to prove that conclusively. Therefore, this variant has been classified as Likely Pathogenic. This variant is located in the A band of TTN (PMID: 25589632). Truncating variants in this region are significantly overrepresented in patients affected with dilated cardiomyopathy (PMID: 25589632). Truncating variants in this region have also been reported in individuals affected with autosomal recessive centronuclear myopathy (PMID: 23975875). This variant has not been reported in the literature in individuals affected with TTN-related conditions. This variant is not present in population databases (gnomAD no frequency).

Literature cited by the submitters: PubMed 25589632; PubMed 23975875.